The following is an entry in ClinVar:

NM_000553.6(WRN):c.2630G>C (p.Arg877Thr)

Gene: WRN (WRN RecQ like helicase; plus strand). Cytogenetic location: 8p12.
Variant type: single nucleotide variant.
Coding change: c.2630G>C on transcript NM_000553.6 (MANE Select); coding-DNA position 2630, G replaced by C.
Protein change: p.Arg877Thr; replaces arginine 877 with threonine.
Molecular consequence: missense variant.
Genome position (GRCh38, 1-based): chr8:31,120,424, G>C. VCF-style: chr8-31120424-G-C. GRCh37 (hg19) VCF-style: chr8-30977940-G-C.
Other names: short protein forms R877T.
Identifiers: ClinVar variation 1413884 (VCV001413884.6), dbSNP rs2130323327, ClinGen allele CA370915889.

ClinVar aggregate classification (germline): Uncertain significance (1 of 4 stars; one submission).

Conditions:
Werner syndrome (WRN). Identifiers: Orphanet 902, MedGen C0043119, MONDO:0010196, OMIM 277700.

Submission:

Labcorp Genetics (formerly Invitae), Labcorp
Classification: Uncertain significance for Werner syndrome. Last evaluated: 2021-08-28. Review status: criteria provided, single submitter. Criteria: Invitae Variant Classification Sherloc (09022015). Collection method: clinical testing. Allele origin: germline.
Comment: Algorithms developed to predict the effect of missense changes on protein structure and function are either unavailable or do not agree on the potential impact of this missense change (SIFT: "Not Available"; PolyPhen-2: "Possibly Damaging"; Align-GVGD: "Not Available"). In summary, the available evidence is currently insufficient to determine the role of this variant in disease. Therefore, it has been classified as a Variant of Uncertain Significance. Variants that disrupt the consensus splice site are a relatively common cause of aberrant splicing (PMID: 17576681, 9536098). Algorithms developed to predict the effect of sequence changes on RNA splicing suggest that this variant may disrupt the consensus splice site. This variant has not been reported in the literature in individuals affected with WRN-related conditions. This variant is not present in population databases (ExAC no frequency). This sequence change replaces arginine with threonine at codon 877 of the WRN protein (p.Arg877Thr). The arginine residue is moderately conserved and there is a moderate physicochemical difference between arginine and threonine. This variant also falls at the last nucleotide of exon 21, which is part of the consensus splice site for this exon.

Literature cited by the submitters: PubMed 17576681; PubMed 9536098.